The following is an entry in ClinVar:

NM_004655.4(AXIN2):c.1908-13A>T

Gene: AXIN2 (axin 2; minus strand). Cytogenetic location: 17q24.1.
Variant type: single nucleotide variant.
Coding change: c.1908-13A>T on transcript NM_004655.4 (MANE Select); 13 bases into the intron before coding-DNA position 1908, A replaced by T.
Molecular consequence: intron variant.
Genome position (GRCh38, 1-based): chr17:65,536,566, T>A on the plus strand (A>T on the coding strand, the complement: AXIN2 is on the minus strand). VCF-style: chr17-65536566-T-A. GRCh37 (hg19) VCF-style: chr17-63532684-T-A.
Other names: c.1908-13A>T (LRG_296t1); c.1713-13A>T (NM_001363813.1).
Identifiers: ClinVar variation 392652 (VCV000392652.9), dbSNP rs201297071, ClinGen allele CA16608606.

ClinVar aggregate classification (germline): Likely benign. Review status: criteria provided, multiple submitters, no conflicts (2 of 4 stars). 3 submissions from 3 submitters: Likely benign (3). Last evaluated 2025-12-03.

Conditions:
Oligodontia-cancer predisposition syndrome. Also called: TOOTH AGENESIS-COLORECTAL CANCER SYNDROME. Identifiers: Orphanet 300576, MedGen C1837750, MONDO:0012075, OMIM 608615. Disease mechanism: loss of function.

Allele frequency attached by ClinVar (database versions not stated): gnomAD exomes below 0.00001.
gnomAD v4.1: 6 of 1,613,232 alleles (0.00037%); highest among the groups gnomAD compares: Non-Finnish European, 0.00051%; no homozygotes.

Submissions (3):

Labcorp Genetics (formerly Invitae), Labcorp
Classification: Likely benign for Oligodontia-cancer predisposition syndrome. Last evaluated: 2025-12-03. Review status: criteria provided, single submitter. Criteria: Invitae Variant Classification Sherloc (09022015). Collection method: clinical testing. Allele origin: germline.

Myriad Genetics, Inc.
Classification: Likely benign for Oligodontia-cancer predisposition syndrome. Last evaluated: 2024-07-08. Review status: criteria provided, single submitter. Criteria: Myriad Autosomal Dominant, Autosomal Recessive and X-Linked Classification Criteria (2023). Collection method: clinical testing. Allele origin: unknown.
Comment: This variant is considered likely benign. This variant is intronic and is not expected to impact mRNA splicing.

GeneDx
Classification: Likely benign. Last evaluated: 2017-01-04. Review status: criteria provided, single submitter. Criteria: GeneDx Variant Classification (06012015). Collection method: clinical testing. Allele origin: germline. Affected: yes.
Comment: This variant is considered likely benign or benign based on one or more of the following criteria: it is a conservative change, it occurs at a poorly conserved position in the protein, it is predicted to be benign by multiple in silico algorithms, and/or has population frequency not consistent with disease.